The following is an entry in ClinVar:

NM_000057.4(BLM):c.3497A>T (p.Gln1166Leu)

Gene: BLM (BLM RecQ like helicase; plus strand). Cytogenetic location: 15q26.1.
Variant type: single nucleotide variant.
Coding change: c.3497A>T on transcript NM_000057.4 (MANE Select); coding-DNA position 3497, A replaced by T.
Protein change: p.Gln1166Leu; replaces glutamine 1166 with leucine.
Molecular consequence: missense variant. On other transcripts: intron variant (1).
Genome position (GRCh38, 1-based): chr15:90,803,659, A>T. VCF-style: chr15-90803659-A-T. GRCh37 (hg19) VCF-style: chr15-91346889-A-T.
Other names: c.3497A>T (LRG_20t1); c.3497A>T, p.Gln1166Leu (NM_001287246.2); c.2372A>T, p.Gln791Leu (NM_001287248.2); c.3358+5322A>T (NM_001287247.2); short protein forms Q1166L, Q791L.
Identifiers: ClinVar variation 485363 (VCV000485363.13), dbSNP rs371774802, ClinGen allele CA7739043.

ClinVar aggregate classification (germline): Uncertain significance. Review status: criteria provided, multiple submitters, no conflicts (2 of 4 stars). 3 submissions from 3 submitters: Uncertain significance (2). 1 of the submissions does not count toward it. Last evaluated 2025-04-13.

Conditions:
Hereditary cancer-predisposing syndrome. Also called: Neoplastic Syndromes, Hereditary; Tumor predisposition; Hereditary Cancer Syndrome; Hereditary neoplastic syndrome. Identifiers: Orphanet 140162, MedGen C0027672, MeSH D009386, MONDO:0015356.
Bloom syndrome (BLM). Also called: Bloom-Torre-Machacek syndrome. Identifiers: Orphanet 125, MedGen C0005859, MONDO:0008876, OMIM 210900.

Allele frequency attached by ClinVar (database versions not stated): gnomAD exomes below 0.00001.
gnomAD v4.1: 7 of 1,614,200 alleles (0.00043%); highest among the groups gnomAD compares: Admixed American, 0.0017%; no homozygotes.

Submissions (3):

Ambry Genetics
Classification: Uncertain significance for Hereditary cancer-predisposing syndrome. Last evaluated: 2025-04-13. Review status: criteria provided, single submitter. Criteria: Ambry Variant Classification Scheme 2023. Collection method: clinical testing. Allele origin: germline.
Comment: The p.Q1166L variant (also known as c.3497A>T), located in coding exon 17 of the BLM gene, results from an A to T substitution at nucleotide position 3497. The glutamine at codon 1166 is replaced by leucine, an amino acid with dissimilar properties. This amino acid position is highly conserved in available vertebrate species. In addition, the in silico prediction for this alteration is inconclusive. Since supporting evidence is limited at this time, the clinical significance of this alteration remains unclear.

Labcorp Genetics (formerly Invitae), Labcorp
Classification: Uncertain significance for Bloom syndrome. Last evaluated: 2024-12-10. Review status: criteria provided, single submitter. Criteria: Invitae Variant Classification Sherloc (09022015). Collection method: clinical testing. Allele origin: germline.
Comment: This sequence change replaces glutamine, which is neutral and polar, with leucine, which is neutral and non-polar, at codon 1166 of the BLM protein (p.Gln1166Leu). This variant is present in population databases (rs371774802, gnomAD 0.003%). This variant has not been reported in the literature in individuals affected with BLM-related conditions. ClinVar contains an entry for this variant (Variation ID: 485363). Invitae Evidence Modeling of protein sequence and biophysical properties (such as structural, functional, and spatial information, amino acid conservation, physicochemical variation, residue mobility, and thermodynamic stability) has been performed for this missense variant. However, the output from this modeling did not meet the statistical confidence thresholds required to predict the impact of this variant on BLM protein function. In summary, the available evidence is currently insufficient to determine the role of this variant in disease. Therefore, it has been classified as a Variant of Uncertain Significance.

Natera, Inc.
Classification: Uncertain significance for Bloom syndrome. Last evaluated: 2020-04-24. Review status: no assertion criteria provided. Collection method: clinical testing. Allele origin: germline. Not counted in ClinVar's aggregate classification.